The following is an entry in ClinVar:

ClinVar aggregate classification (germline): Uncertain significance. Review status: criteria provided, multiple submitters, no conflicts (2 of 4 stars). 2 submissions from 2 submitters: Uncertain significance (2). Last evaluated 2026-01-27.

Conditions:
Inborn genetic diseases. Identifiers: MedGen C0950123, MeSH D030342.

Submissions (2):

Labcorp Genetics (formerly Invitae), Labcorp
Classification: Uncertain significance. Last evaluated: 2026-01-27. Review status: criteria provided, single submitter. Criteria: Invitae Variant Classification Sherloc (09022015). Collection method: clinical testing. Allele origin: germline.
Comment: This sequence change replaces glycine, which is neutral and non-polar, with arginine, which is basic and polar, at codon 450 of the HK1 protein (p.Gly450Arg). This variant is not present in population databases (gnomAD no frequency). This missense change has been observed in individual(s) with retinitis pigmentosa (internal data). ClinVar contains an entry for this variant (Variation ID: 986079). Invitae Evidence Modeling of protein sequence and biophysical properties (such as structural, functional, and spatial information, amino acid conservation, physicochemical variation, residue mobility, and thermodynamic stability) has been performed for this missense variant. However, the output from this modeling did not meet the statistical confidence thresholds required to predict the impact of this variant on HK1 protein function. In summary, the available evidence is currently insufficient to determine the role of this variant in disease. Therefore, it has been classified as a Variant of Uncertain Significance.

Ambry Genetics
Classification: Uncertain significance for Inborn genetic diseases. Last evaluated: 2020-03-06. Review status: criteria provided, single submitter. Criteria: Ambry Variant Classification Scheme 2023. Collection method: clinical testing. Allele origin: germline.
Comment: The alteration results in an amino acid change:_x000D_ _x000D_ The c.1348G>C (p.G450R) alteration is located in coding exon 10 of the HK1 gene. This alteration results from a G to C substitution at nucleotide position 1348, causing the glycine (G) at amino acid position 450 to be replaced by an arginine (R). The alteration is not observed in population databases: _x000D_ _x000D_ Based on data from the Genome Aggregation Database (gnomAD), the HK1 c.1348G>C alteration was not observed, with coverage at this position. The altered amino acid is conserved throughout evolution:_x000D_ _x000D_ The G450 amino acid is conserved in available vertebrate species. The alteration is predicted deleterious by in silico models:_x000D_ _x000D_ The G450R alteration is predicted to be deleterious by in silico analysis. Based on insufficient or conflicting evidence, the clinical significance of this alteration remains unclear.

NM_000188.3(HK1):c.1348G>C (p.Gly450Arg)

Gene: HK1 (hexokinase 1; plus strand). Cytogenetic location: 10q22.1.
Variant type: single nucleotide variant.
Coding change: c.1348G>C on transcript NM_000188.3 (MANE Select); coding-DNA position 1348, G replaced by C.
Protein change: p.Gly450Arg; replaces glycine 450 with arginine.
Molecular consequence: missense variant.
Genome position (GRCh38, 1-based): chr10:69,382,569, G>C. VCF-style: chr10-69382569-G-C. GRCh37 (hg19) VCF-style: chr10-71142325-G-C.
Other names: c.1360G>C, p.Gly454Arg (NM_001322364.2, NM_001358263.1, NM_033497.3 and 1 more transcripts); c.1453G>C, p.Gly485Arg (NM_001322365.2); c.1264G>C, p.Gly422Arg (NM_001322366.1); c.1252G>C, p.Gly418Arg (NM_001322367.1); c.1345G>C, p.Gly449Arg (NM_033496.3); c.1312G>C, p.Gly438Arg (NM_033500.2); short protein forms G418R, G422R, G438R, G449R, G450R, G454R, G485R.
Identifiers: ClinVar variation 986079 (VCV000986079.10), dbSNP rs1839444255, ClinGen allele CA376909669.
Genomic context (GRCh38, chr10:69,382,569, plus strand): 5'-ACTCTAAGGCGCTTGGTGCCAGACTCCGATGTGCGCTTCCTCCTCTCGGAGAGTGGCAGC[G>C]GCAAGGGGGCTGCCATGGTGACGGCGGTGGCCTACCGCTTGGCCGAGCAGCACCGGCAGA-3'
Protein context (NP_000179.2, residues 440-460): VRFLLSESGS[Gly450Arg]KGAAMVTAVA